The following is an entry in ClinVar:

NM_000138.5(FBN1):c.6741del (p.Asp2247fs)

Gene: FBN1 (fibrillin 1; minus strand). Cytogenetic location: 15q21.1.
Variant type: Deletion.
Coding change: c.6741del on transcript NM_000138.5 (MANE Select); coding-DNA position 6741, one base deleted (T; older notation c.6741delT).
Protein change: p.Asp2247fs; shifts the reading frame from aspartic acid 2247.
Molecular consequence: frameshift variant.
Genome position (GRCh38, 1-based): chr15:48,430,801, A deleted on the plus strand (T on the coding strand, the reverse complement: FBN1 is on the minus strand). VCF-style (leftmost placement, unchanged base first): chr15-48430800-CA-C. GRCh37 (hg19) VCF-style: chr15-48722997-CA-C.
Other names: c.6741del, p.Asp2247fs (NM_001406716.1); short protein forms D2247fs.
Identifiers: ClinVar variation 3759466 (VCV003759466.2).
Genomic context (GRCh38, chr15:48,430,800, plus strand): 5'-GGTTCTTGCATTCCATTTGTTTTTCAGTACAGTCATGTTTTCCCTCTTCACACTCATCCT[CA>C]TCTGTAAAAAATGTACAATCACAAATTTGTCAAAGAAAATGCATATATCTGCCTTAATTA-3'

ClinVar aggregate classification (germline): Pathogenic (1 of 4 stars; one submission).

Conditions:
Marfan syndrome (MFS). Also called: MARFAN SYNDROME, TYPE I; Marfan syndrome type 1; Marfan's syndrome; Marfan syndrome, classic; FBN1-Related Marfan Syndrome. Identifiers: Orphanet 284963, Orphanet 558, MedGen C0024796, MONDO:0007947, OMIM 154700.
Familial thoracic aortic aneurysm and aortic dissection (TAAD). Also called: Thoracic aortic aneurysms and dissections. Identifiers: Orphanet 91387, MedGen C4707243, MONDO:0019625.

Submission:

Labcorp Genetics (formerly Invitae), Labcorp
Classification: Pathogenic for Marfan syndrome; Familial thoracic aortic aneurysm and aortic dissection. Last evaluated: 2024-10-15. Review status: criteria provided, single submitter. Criteria: Invitae Variant Classification Sherloc (09022015). Collection method: clinical testing. Allele origin: germline.
Comment: This sequence change creates a premature translational stop signal (p.Asp2247Glufs*44) in the FBN1 gene. It is expected to result in an absent or disrupted protein product. Loss-of-function variants in FBN1 are known to be pathogenic (PMID: 17657824, 19293843). This variant is not present in population databases (gnomAD no frequency). This variant has not been reported in the literature in individuals affected with FBN1-related conditions. For these reasons, this variant has been classified as Pathogenic.

Literature cited by the submitters: PubMed 17657824; PubMed 19293843.